The following is an entry in ClinVar:

NM_021971.4(GMPPB):c.1057G>A (p.Val353Met)

Gene: GMPPB (GDP-mannose pyrophosphorylase B; minus strand). Cytogenetic location: 3p21.31.
Variant type: single nucleotide variant.
Coding change: c.1057G>A on transcript NM_021971.4 (MANE Select); coding-DNA position 1057, G replaced by A.
Protein change: p.Val353Met; replaces valine 353 with methionine.
Molecular consequence: missense variant.
Genome position (GRCh38, 1-based): chr3:49,721,778, C>T on the plus strand (G>A on the coding strand, the complement: GMPPB is on the minus strand). VCF-style: chr3-49721778-C-T. GRCh37 (hg19) VCF-style: chr3-49759211-C-T.
Other names: c.1138G>A, p.Val380Met (NM_013334.4); short protein forms V353M, V380M.
Identifiers: ClinVar variation 3061179 (VCV003061179.2), dbSNP rs2544751355, ClinGen allele CA352825915.

ClinVar aggregate classification (germline): Uncertain significance (0 of 4 stars; one submission).

Conditions:
GMPPB-related disorder. Also called: GMPPB-related disorders; GMPPB-related condition.

Submission:

PreventionGenetics, part of Exact Sciences
Classification: Uncertain significance for GMPPB-related condition. Last evaluated: 2024-01-29. Review status: no assertion criteria provided. Collection method: clinical testing. Allele origin: germline.
Comment: The GMPPB c.1138G>A variant is predicted to result in the amino acid substitution p.Val380Met. To our knowledge, this variant has not been reported in the literature or in a large population database, indicating this variant is rare. At this time, the clinical significance of this variant is uncertain due to the absence of conclusive functional and genetic evidence.